The following is an entry in ClinVar:

ClinVar aggregate classification (germline): Uncertain significance (1 of 4 stars; one submission).

Conditions:
Tatton-Brown-Rahman overgrowth syndrome. Also called: Tall stature-intellectual disability-facial dysmorphism syndrome; Tatton-Brown-Rahman syndrome. Identifiers: Orphanet 404443, MedGen C4014545, MONDO:0014382, OMIM 615879.

Allele frequency attached by ClinVar (database versions not stated): gnomAD exomes below 0.00001.
gnomAD v4.1: 1 of 1,613,206 alleles (0.000062%); highest among the groups gnomAD compares: Non-Finnish European, 0.000085%; no homozygotes.

Submission:

Labcorp Genetics (formerly Invitae), Labcorp
Classification: Uncertain significance for Tatton-Brown-Rahman overgrowth syndrome. Last evaluated: 2021-12-29. Review status: criteria provided, single submitter. Criteria: Invitae Variant Classification Sherloc (09022015). Collection method: clinical testing. Allele origin: germline.
Comment: This sequence change replaces alanine, which is neutral and non-polar, with aspartic acid, which is acidic and polar, at codon 376 of the DNMT3A protein (p.Ala376Asp). This variant is not present in population databases (gnomAD no frequency). This variant has not been reported in the literature in individuals affected with DNMT3A-related conditions. Algorithms developed to predict the effect of missense changes on protein structure and function are either unavailable or do not agree on the potential impact of this missense change (SIFT: "Deleterious"; PolyPhen-2: "Probably Damaging"; Align-GVGD: "Class C15"). In summary, the available evidence is currently insufficient to determine the role of this variant in disease. Therefore, it has been classified as a Variant of Uncertain Significance.

NM_022552.5(DNMT3A):c.1127C>A (p.Ala376Asp)

Gene: DNMT3A (DNA methyltransferase 3 alpha; minus strand). Cytogenetic location: 2p23.3.
Variant type: single nucleotide variant.
Coding change: c.1127C>A on transcript NM_022552.5 (MANE Select); coding-DNA position 1127, C replaced by A.
Protein change: p.Ala376Asp; replaces alanine 376 with aspartic acid.
Molecular consequence: missense variant. On other transcripts: non-coding transcript variant (1).
Genome position (GRCh38, 1-based): chr2:25,246,772, G>T on the plus strand (C>A on the coding strand, the complement: DNMT3A is on the minus strand). VCF-style: chr2-25246772-G-T. GRCh37 (hg19) VCF-style: chr2-25469641-G-T.
Other names: c.671C>A, p.Ala224Asp (NM_001320893.1); c.458C>A, p.Ala153Asp (NM_001375819.1); c.560C>A, p.Ala187Asp (NM_153759.3); c.1127C>A, p.Ala376Asp (NM_175629.2); short protein forms A224D, A376D, A153D, A187D.
Identifiers: ClinVar variation 2065817 (VCV002065817.4), dbSNP rs2465538515, ClinGen allele CA346073296.
Genomic context (GRCh38, chr2:25,246,772, plus strand): 5'-GCAGTGTCACTCTCATCGCTGTCGTGGCACACCGGGAACAGCTTCCCCGCGCGGCTGCTG[G>T]CCACCTGGAGGGTGACACGCCAGGGTTGGGGTTGTCAGGACAGGCTGGAAGGCAGATGGG-3'
Protein context (NP_072046.2, residues 366-386): RKAIYEVLQV[Ala376Asp]SSRAGKLFPV